The following is an entry in ClinVar:

NM_019888.3(MC3R):c.747C>A (p.Gly249=)

Gene: MC3R (melanocortin 3 receptor; plus strand). Cytogenetic location: 20q13.2.
Variant type: single nucleotide variant.
Coding change: c.747C>A on transcript NM_019888.3 (MANE Select); coding-DNA position 747, C replaced by A.
Protein change: p.Gly249=; no amino-acid change (glycine 249 retained).
Molecular consequence: synonymous variant.
Genome position (GRCh38, 1-based): chr20:56,249,590, C>A. VCF-style: chr20-56249590-C-A. GRCh37 (hg19) VCF-style: chr20-54824646-C-A.
Identifiers: ClinVar variation 3350800 (VCV003350800.1).

ClinVar aggregate classification (germline): Likely benign (0 of 4 stars; one submission).

Conditions:
MC3R-related disorder. Also called: MC3R-related condition.

Submission:

PreventionGenetics, part of Exact Sciences
Classification: Likely benign for MC3R-related condition. Last evaluated: 2020-09-11. Review status: no assertion criteria provided. Collection method: clinical testing. Allele origin: germline.
Comment: This variant is classified as likely benign based on ACMG/AMP sequence variant interpretation guidelines (Richards et al. 2015 PMID: 25741868, with internal and published modifications).